The following is an entry in ClinVar:

ClinVar aggregate classification (germline): Uncertain significance (1 of 4 stars; one submission).

Conditions:
NCOA1-related disorder. Also called: NCOA1-related condition.

Submission:

PreventionGenetics, part of Exact Sciences
Classification: Uncertain significance for NCOA1-related condition. Last evaluated: 2025-01-13. Review status: criteria provided, single submitter. Criteria: ACMG Guidelines, 2015. Collection method: clinical testing. Allele origin: germline.
Comment: The NCOA1 c.2887-2_2887-1delAG variant is predicted to result in a deletion affecting a canonical splice site. To our knowledge, this variant has not been reported in the literature. This variant is reported in 0.00089% of alleles in individuals of European (Non-Finnish) descent in gnomAD. Due to limited evidence, this gene-disease association is currently considered provisional. At this time, the clinical significance of this variant is uncertain due to the absence of conclusive functional and genetic evidence.

NM_003743.5(NCOA1):c.2887-2_2887-1del

Gene: NCOA1 (nuclear receptor coactivator 1; plus strand). Cytogenetic location: 2p23.3.
Variant type: Deletion.
Coding change: c.2887-2_2887-1del on transcript NM_003743.5 (MANE Select); the canonical splice acceptor site of the intron before coding-DNA position 2887, 2 bases deleted (AG; older notation c.2887-2_2887-1delAG).
Molecular consequence: splice acceptor variant.
Genome position (GRCh38, 1-based): chr2:24,729,499-24,729,500, AG deleted. VCF-style (leftmost placement, unchanged base first): chr2-24729498-CAG-C. GRCh37 (hg19) VCF-style: chr2-24952367-CAG-C.
Other names: c.2887-2_2887-1del (NM_001362950.1, NM_147223.3, NM_001362955.1 and 3 more transcripts).
Identifiers: ClinVar variation 4989041 (VCV004989041.1).